The following is an entry in ClinVar:

ClinVar aggregate classification (germline): Pathogenic/Likely pathogenic. Review status: criteria provided, multiple submitters, no conflicts (2 of 4 stars). 2 submissions from 2 submitters: Pathogenic (1); Likely pathogenic (1). Last evaluated 2024-04-25.

Conditions:
Carnitine palmitoyl transferase 1A deficiency. Also called: CPT deficiency, hepatic, type IA; Carnitine palmitoyltransferase 1A deficiency; CPT I DEFICIENCY; CPT DEFICIENCY, HEPATIC, TYPE I; Carnitine palmitoyltransferase type I deficiency. Identifiers: Orphanet 156, MedGen C1829703, MONDO:0009705, OMIM 255120.

Allele frequency attached by ClinVar (database versions not stated): gnomAD exomes below 0.00001.
gnomAD v4.1: 1 of 1,614,136 alleles (0.000062%); highest among the groups gnomAD compares: Non-Finnish European, 0.000085%; no homozygotes.

Submissions (2):

Fulgent Genetics
Classification: Likely pathogenic for Carnitine palmitoyl transferase 1A deficiency. Last evaluated: 2024-04-25. Review status: criteria provided, single submitter. Criteria: ACMG Guidelines, 2015. Collection method: clinical testing. Allele origin: germline.

Labcorp Genetics (formerly Invitae), Labcorp
Classification: Pathogenic for Carnitine palmitoyl transferase 1A deficiency. Last evaluated: 2021-07-06. Review status: criteria provided, single submitter. Criteria: Invitae Variant Classification Sherloc (09022015). Collection method: clinical testing. Allele origin: germline.
Comment: This sequence change creates a premature translational stop signal (p.Ser456*) in the CPT1A gene. It is expected to result in an absent or disrupted protein product. Loss-of-function variants in CPT1A are known to be pathogenic (PMID: 16169268). This variant is not present in population databases (ExAC no frequency). This variant has not been reported in the literature in individuals affected with CPT1A-related conditions. For these reasons, this variant has been classified as Pathogenic.

Literature cited by the submitters: PubMed 16169268 (cited by Labcorp Genetics (formerly Invitae), Labcorp).

NM_001876.4(CPT1A):c.1367C>A (p.Ser456Ter)

Gene: CPT1A (carnitine palmitoyltransferase 1A; minus strand). Cytogenetic location: 11q13.3.
Variant type: single nucleotide variant.
Coding change: c.1367C>A on transcript NM_001876.4 (MANE Select); coding-DNA position 1367, C replaced by A.
Protein change: p.Ser456Ter; replaces serine 456 with a stop codon.
Molecular consequence: nonsense.
Genome position (GRCh38, 1-based): chr11:68,780,731, G>T on the plus strand (C>A on the coding strand, the complement: CPT1A is on the minus strand). VCF-style: chr11-68780731-G-T. GRCh37 (hg19) VCF-style: chr11-68548199-G-T.
Other names: c.1367C>A, p.Ser456Ter (NM_001031847.3); short protein forms S456*.
Identifiers: ClinVar variation 1391751 (VCV001391751.7), dbSNP rs1478167106, ClinGen allele CA381630872.